The following is an entry in ClinVar:

NM_000533.5(PLP1):c.761T>C (p.Leu254Pro)

Genes: PLP1 (proteolipid protein 1; plus strand), RAB9B (RAB9B, member RAS oncogene family; minus strand). Cytogenetic location: Xq22.2.
Variant type: single nucleotide variant.
Coding change: c.761T>C on transcript NM_000533.5 (MANE Select); coding-DNA position 761, T replaced by C.
Protein change: p.Leu254Pro; replaces leucine 254 with proline.
Molecular consequence: missense variant.
Genome position (GRCh38, 1-based): chrX:103,789,397, T>C. VCF-style: chrX-103789397-T-C. GRCh37 (hg19) VCF-style: chrX-103044326-T-C.
Other names: c.761T>C, p.Leu254Pro (NM_001128834.3); c.596T>C, p.Leu199Pro (NM_001305004.1); c.656T>C, p.Leu219Pro (NM_199478.3); short protein forms L199P, L219P, L254P.
Identifiers: ClinVar variation 3255457 (VCV003255457.2), dbSNP rs2522323274.
Genomic context (GRCh38, chrX:103,789,397, plus strand): 5'-AAATGACCTTCCACCTGTTTATTGCTGCATTTGTGGGGGCTGCAGCTACACTGGTTTCCC[T>C]GGTGAGTTGACTTTGAATGATCTTGGCAAGTAAATAGGCCTGAGATAGTGTGGGTACAGC-3'
Protein context (NP_000524.3, residues 244-264): FVGAAATLVS[Leu254Pro]LTFMIAATYN

ClinVar aggregate classification (germline): Likely pathogenic (1 of 4 stars; one submission).

Conditions:
Pelizaeus-Merzbacher disease. Also called: LEUKODYSTROPHY, HYPOMYELINATING, 1; Sudanophilic leukodystrophy; Pelizaeus-Merzbacher spectrum disorder; Pelizaeus-Merzbacher Disease (PMD); Pelizeaus-Merzbacher spectrum disorder. Identifiers: Orphanet 702, MedGen C0205711, MONDO:0010714, OMIM 312080, HP:0003269.

Submission:

Molecular Diagnostics Lab, Nemours Children's Health, Delaware
Classification: Likely pathogenic for Pelizaeus-Merzbacher disease. Last evaluated: 2022-02-18. Review status: criteria provided, single submitter. Criteria: ACMG Guidelines, 2015. Collection method: clinical testing. Allele origin: unknown. Inheritance: X-linked inheritance. Affected: no. Observed: 4 heterozygotes.
Comment: This missense variant (c.761T>C, p.Leu254Pro) has not been observed in population databases (gnomAD). It has not been described in the literature. Variant prediction programs support a deleterious effect on the protein, but functional studies have not been reported.